The following is an entry in ClinVar:

ClinVar aggregate classification (germline): Conflicting classifications of pathogenicity. Review status: criteria provided, conflicting classifications (1 of 4 stars). 3 submissions from 3 submitters: Likely pathogenic (1); Uncertain significance (1). 1 of the submissions does not count toward it. Last evaluated 2022-09-16.

Conditions:
Thrombotic thrombocytopenic purpura. Also called: Moschowitz syndrome; Moschkowitz Disease. Identifiers: Orphanet 54057, MedGen C0034155, MONDO:0018896.
Upshaw-Schulman syndrome (TTP). Also called: Congenital thrombotic thrombocytopenic purpura; THROMBOTIC THROMBOCYTOPENIC PURPURA, HEREDITARY. Identifiers: Orphanet 93583, MedGen C1268935, MONDO:0010122, OMIM 274150.

Allele frequency attached by ClinVar (database versions not stated): gnomAD exomes below 0.00001 and 0.00002.
gnomAD v4.1: 6 of 1,613,386 alleles (0.00037%); highest among the groups gnomAD compares: East Asian, 0.011%; no homozygotes.

Submissions (3):

Labcorp Genetics (formerly Invitae), Labcorp
Classification: Uncertain significance. Last evaluated: 2022-09-16. Review status: criteria provided, single submitter. Criteria: Invitae Variant Classification Sherloc (09022015). Collection method: clinical testing. Allele origin: germline.
Comment: Advanced modeling of protein sequence and biophysical properties (such as structural, functional, and spatial information, amino acid conservation, physicochemical variation, residue mobility, and thermodynamic stability) performed at Invitae indicates that this missense variant is expected to disrupt ADAMTS13 protein function. ClinVar contains an entry for this variant (Variation ID: 559578). In summary, the available evidence is currently insufficient to determine the role of this variant in disease. Therefore, it has been classified as a Variant of Uncertain Significance. This variant has not been reported in the literature in individuals affected with ADAMTS13-related conditions. This variant is present in population databases (no rsID available, gnomAD 0.02%). This sequence change replaces glycine, which is neutral and non-polar, with valine, which is neutral and non-polar, at codon 194 of the ADAMTS13 protein (p.Gly194Val).

Juno Genomics, Hangzhou Juno Genomics, Inc
Classification: Likely pathogenic for Upshaw-Schulman syndrome. Review status: criteria provided, single submitter. Criteria: ACMG Guidelines, 2015. Collection method: clinical testing. Allele origin: germline.
Comment: Absent from controls (or at extremely low frequency if recessive) in Genome Aggregation Database.;Multiple lines of computational evidence support a deleterious effect on the gene or gene product.;Patient's phenotype or family history is highly specific for a disease with a single genetic etiology.

Department of Hematology, 303rd Hospital of the People's Liberation Army
Classification: Pathogenic for Thrombotic thrombocytopenic purpura. Last evaluated: 2018-06-21. Review status: no assertion criteria provided. Collection method: clinical testing. Allele origin: maternal. Inheritance: Autosomal recessive inheritance. Affected: yes. Observed: 1 variant allele, 1 compound heterozygote. Not counted in ClinVar's aggregate classification.
Comment: ADAMTS13 is the 13th member of the ADAMTS family of metalloproteases (Zheng X 2001). VWF, the substrate of ADAMTS13, is mainly produced in vascular endothelial cells and released into the plasma as unusually large multimers, which readily undergo ADAMTS13 proteolysis (Moake JL 2002). Recent studies demonstrated an association between pathogenesis and severely reduced activity of a disintegrin-like and metalloprotease with thrombospondin type 1 motif 13 (ADAMTS13) (Furlan M 1998; Tsai HM, 1998). This enzyme specifically cleaves von Willebrand factor (VWF), a glycoprotein necessary for normal hemostasis. Consequently, reduced ADAMTS13 activity has been included in the diagnostic criteria for TTP (George JN 2014). Congenital TTP is attributable to ADAMTS13 gene mutations (Levy GG 2001;Kokame K,2002), whereas acquired TTP develops as a result of anti- ADAMTS13 autoantibody production (Furlan M 1998; Tsai HM 1998). Scores of the mutations for predicting the probability of a damaging mutation using Sorting Tolerant From Intolerant (SIFT) and Polymorphism Phenotyping v2 (PolyPhen-2) were high. The negative effect of the novel ADAMTS13 mutations on the activity of protease was further verified by SELDI-TOF and the activity level of ADAMTS13 was <5% (normal: 68~131%). In summary, the G194V variant meets our criteria to be classified as pathogenic.

NM_139027.6(ADAMTS13):c.581G>T (p.Gly194Val)

Gene: ADAMTS13 (ADAM metallopeptidase with thrombospondin type 1 motif 13; plus strand). Cytogenetic location: 9q34.2.
Variant type: single nucleotide variant.
Coding change: c.581G>T on transcript NM_139027.6 (MANE Select); coding-DNA position 581, G replaced by T.
Protein change: p.Gly194Val; replaces glycine 194 with valine.
Molecular consequence: missense variant. On other transcripts: non-coding transcript variant (1).
Genome position (GRCh38, 1-based): chr9:133,426,240, G>T. VCF-style: chr9-133426240-G-T. GRCh37 (hg19) VCF-style: chr9-136291360-G-T.
Other names: c.581G>T, p.Gly194Val (NM_139025.5, NM_139026.6); short protein forms G194V.
Identifiers: ClinVar variation 559578 (VCV000559578.9), dbSNP rs1554785242, ClinGen allele CA375383306.
Genomic context (GRCh38, chr9:133,426,240, plus strand): 5'-ACTGTTTTCTCTCACCGAGGTTTGACCTGGAGTTGCCTGATGGTAACCGGCAGGTGCGGG[G>T]CGTCACCCAGCTGGGCGGTGCCTGCTCCCCAACCTGGAGCTGCCTCATTACCGAGGACAC-3'
Protein context (NP_620596.2, residues 184-204): ELPDGNRQVR[Gly194Val]VTQLGGACSP